The following is an entry in ClinVar:

NM_001042492.3(NF1):c.5957A>G (p.Lys1986Arg)

Gene: NF1 (neurofibromin 1; plus strand). Cytogenetic location: 17q11.2.
Variant type: single nucleotide variant.
Coding change: c.5957A>G on transcript NM_001042492.3 (MANE Select); coding-DNA position 5957, A replaced by G.
Protein change: p.Lys1986Arg; replaces lysine 1986 with arginine.
Molecular consequence: missense variant.
Genome position (GRCh38, 1-based): chr17:31,334,982, A>G. VCF-style: chr17-31334982-A-G. GRCh37 (hg19) VCF-style: chr17-29662000-A-G.
Other names: c.5894A>G, p.Lys1965Arg (NM_000267.4); short protein forms K1986R, K1965R.
Identifiers: ClinVar variation 960186 (VCV000960186.7), dbSNP rs2069607779, ClinGen allele CA399010869.

ClinVar aggregate classification (germline): Uncertain significance. Review status: criteria provided, multiple submitters, no conflicts (2 of 4 stars). 2 submissions from 2 submitters: Uncertain significance (2). Last evaluated 2025-08-29.

Conditions:
Hereditary cancer-predisposing syndrome. Also called: Hereditary neoplastic syndrome; Tumor predisposition; Neoplastic Syndromes, Hereditary; Hereditary Cancer Syndrome. Identifiers: Orphanet 140162, MedGen C0027672, MeSH D009386, MONDO:0015356.
Cardiovascular phenotype. Identifiers: MedGen CN230736.
Neurofibromatosis, type 1 (NF1). Also called: Peripheral type neurofibromatosis; VON RECKLINGHAUSEN DISEASE; NEUROFIBROMATOSIS, TYPE I, SOMATIC; Neurofibromatosis, type I. Identifiers: Orphanet 636, MedGen C0027831, MONDO:0018975, OMIM 162200. Disease mechanism: loss of function.

Allele frequency attached by ClinVar (database versions not stated): gnomAD exomes below 0.00001.
gnomAD v4.1: 1 of 1,613,456 alleles (0.000062%); highest among the groups gnomAD compares: South Asian, 0.0011%; no homozygotes.

Submissions (2):

Ambry Genetics
Classification: Uncertain significance for Cardiovascular phenotype; Hereditary cancer-predisposing syndrome. Last evaluated: 2025-08-29. Review status: criteria provided, single submitter. Criteria: Ambry Variant Classification Scheme 2023. Collection method: clinical testing. Allele origin: germline.
Comment: The p.K1965R variant (also known as c.5894A>G), located in coding exon 39 of the NF1 gene, results from an A to G substitution at nucleotide position 5894. The lysine at codon 1965 is replaced by arginine, an amino acid with highly similar properties. This amino acid position is conserved. In addition, the in silico prediction for this alteration is inconclusive. Based on the available evidence, the clinical significance of this variant remains unclear.

Labcorp Genetics (formerly Invitae), Labcorp
Classification: Uncertain significance for Neurofibromatosis, type 1. Last evaluated: 2019-07-18. Review status: criteria provided, single submitter. Criteria: Invitae Variant Classification Sherloc (09022015). Collection method: clinical testing. Allele origin: germline.
Comment: In summary, the available evidence is currently insufficient to determine the role of this variant in disease. Therefore, it has been classified as a Variant of Uncertain Significance. Algorithms developed to predict the effect of missense changes on protein structure and function are either unavailable or do not agree on the potential impact of this missense change (SIFT: "Tolerated"; PolyPhen-2: "Probably Damaging"; Align-GVGD: "Class C0"). This variant has not been reported in the literature in individuals with NF1-related conditions. This variant is not present in population databases (ExAC no frequency). This sequence change replaces lysine with arginine at codon 1965 of the NF1 protein (p.Lys1965Arg). The lysine residue is moderately conserved and there is a small physicochemical difference between lysine and arginine.